The following is an entry in ClinVar:

ClinVar aggregate classification (germline): Uncertain significance (1 of 4 stars; one submission).

Submission:

GeneDx
Classification: Uncertain significance. Last evaluated: 2022-04-20. Review status: criteria provided, single submitter. Criteria: GeneDx Variant Classification Process June 2021. Collection method: clinical testing. Allele origin: germline. Affected: yes.
Comment: Not observed at significant frequency in large population cohorts (gnomAD); In silico analysis, which includes splice predictors and evolutionary conservation, suggests this variant may impact gene splicing. In the absence of RNA/functional studies, the actual effect of this sequence change is unknown.; Has not been previously published as pathogenic or benign to our knowledge

NM_001134673.4(NFIA):c.1255-11_1255-7delinsTCCG

Gene: NFIA (nuclear factor I A; plus strand). Cytogenetic location: 1p31.3.
Variant type: Indel.
Coding change: c.1255-11_1255-7delinsTCCG on transcript NM_001134673.4 (MANE Select); 11 bases into the intron before coding-DNA position 1255 through 7 bases into the intron before coding-DNA position 1255, CCCCC replaced by TCCG.
Molecular consequence: intron variant.
Genome position (GRCh38, 1-based): chr1:61,406,551-61,406,555, CCCCC replaced by TCCG. VCF-style: chr1-61406551-CCCCC-TCCG. GRCh37 (hg19) VCF-style: chr1-61872223-CCCCC-TCCG.
Other names: c.1231-11_1231-7delinsTCCG (NM_001145511.2); c.1390-11_1390-7delinsTCCG (NM_001145512.2); c.1255-11_1255-7delinsTCCG (NM_005595.5).
Identifiers: ClinVar variation 1304387 (VCV001304387.3), dbSNP rs2100525321, ClinGen allele CA2573051605.